The following is an entry in ClinVar:

ClinVar aggregate classification (germline): Uncertain significance. Review status: criteria provided, multiple submitters, no conflicts (2 of 4 stars). 2 submissions from 2 submitters: Uncertain significance (2). Last evaluated 2025-10-22.

Conditions:
Inborn genetic diseases. Identifiers: MedGen C0950123, MeSH D030342.
PKHD1-related disorder. Also called: PKHD1-related condition.

gnomAD v4.1: 4 of 1,613,520 alleles (0.00025%); highest among the groups gnomAD compares: Admixed American, 0.005%; no homozygotes.

Submissions (2):

Ambry Genetics
Classification: Uncertain significance for Inborn genetic diseases. Last evaluated: 2025-10-22. Review status: criteria provided, single submitter. Criteria: Ambry Variant Classification Scheme 2023. Collection method: clinical testing. Allele origin: germline.

PreventionGenetics, part of Exact Sciences
Classification: Uncertain significance for PKHD1-related condition. Last evaluated: 2025-08-14. Review status: criteria provided, single submitter. Criteria: ACMG Guidelines, 2015. Collection method: clinical testing. Allele origin: germline.
Comment: The PKHD1 c.5958C>A variant is predicted to result in the amino acid substitution p.His1986Gln. To our knowledge, this variant has not been reported in the literature. This variant is reported in 0.0087% of alleles in individuals of Latino descent in gnomAD. At this time, the clinical significance of this variant is uncertain due to the absence of conclusive functional and genetic evidence.

NM_138694.4(PKHD1):c.5958C>A (p.His1986Gln)

Gene: PKHD1 (PKHD1 ciliary IPT domain containing fibrocystin/polyductin; minus strand). Cytogenetic location: 6p12.2.
Variant type: single nucleotide variant.
Coding change: c.5958C>A on transcript NM_138694.4 (MANE Select); coding-DNA position 5958, C replaced by A.
Protein change: p.His1986Gln; replaces histidine 1986 with glutamine.
Molecular consequence: missense variant.
Genome position (GRCh38, 1-based): chr6:51,934,273, G>T on the plus strand (C>A on the coding strand, the complement: PKHD1 is on the minus strand). VCF-style: chr6-51934273-G-T. GRCh37 (hg19) VCF-style: chr6-51799071-G-T.
Other names: c.5958C>A, p.His1986Gln (NM_170724.3); short protein forms H1986Q.
Identifiers: ClinVar variation 4627825 (VCV004627825.2).